The following is an entry in ClinVar:

NM_002474.3(MYH11):c.2566G>A (p.Ala856Thr)

Gene: MYH11 (myosin heavy chain 11; minus strand). Cytogenetic location: 16p13.11.
Variant type: single nucleotide variant.
Coding change: c.2566G>A on transcript NM_002474.3 (MANE Select); coding-DNA position 2566, G replaced by A.
Protein change: p.Ala856Thr; replaces alanine 856 with threonine.
Molecular consequence: missense variant.
Genome position (GRCh38, 1-based): chr16:15,741,846, C>T on the plus strand (G>A on the coding strand, the complement: MYH11 is on the minus strand). VCF-style: chr16-15741846-C-T. GRCh37 (hg19) VCF-style: chr16-15835703-C-T.
Other names: c.2587G>A, p.Ala863Thr (NM_001040113.2, NM_001040114.2); c.2566G>A, p.Ala856Thr (NM_022844.3); short protein forms A863T, A856T.
Identifiers: ClinVar variation 2773842 (VCV002773842.2), dbSNP rs1203930286, ClinGen allele CA394866439.

ClinVar aggregate classification (germline): Uncertain significance (1 of 4 stars; one submission).

Conditions:
Familial thoracic aortic aneurysm and aortic dissection (TAAD). Also called: Thoracic aortic aneurysms and dissections. Identifiers: Orphanet 91387, MedGen C4707243, MONDO:0019625.

Allele frequency attached by ClinVar (database versions not stated): gnomAD exomes 0.00001.
gnomAD v4.1: 3 of 1,614,218 alleles (0.00019%); highest among the groups gnomAD compares: South Asian, 0.0033%; no homozygotes.

Submission:

Color Diagnostics, LLC DBA Color Health
Classification: Uncertain significance for Familial thoracic aortic aneurysm and aortic dissection. Last evaluated: 2024-03-06. Review status: criteria provided, single submitter. Criteria: ACMG Guidelines, 2015. Collection method: clinical testing. Allele origin: germline.
Comment: This missense variant replaces alanine with threonine at codon 863 of the MYH11 protein. Computational prediction suggests that this variant may not impact protein structure and function (internally defined REVEL score threshold <= 0.5, PMID: 27666373). To our knowledge, functional studies have not been reported for this variant. This variant has not been reported in individuals affected with cardiovascular disorders in the literature. This variant has been identified in 2/251478 chromosomes in the general population by the Genome Aggregation Database (gnomAD). The available evidence is insufficient to determine the role of this variant in disease conclusively. Therefore, this variant is classified as a Variant of Uncertain Significance.